The following is an entry in ClinVar:

NM_000207.3(INS):c.224G>A (p.Gly75Asp)

Genes: INS (insulin; minus strand), INS-IGF2 (INS-IGF2 readthrough; minus strand). Cytogenetic location: 11p15.5.
Variant type: single nucleotide variant.
Coding change: c.224G>A on transcript NM_000207.3 (MANE Select); coding-DNA position 224, G replaced by A.
Protein change: p.Gly75Asp; replaces glycine 75 with aspartic acid.
Molecular consequence: missense variant. On other transcripts: intron variant (1).
Genome position (GRCh38, 1-based): chr11:2,159,961, C>T on the plus strand (G>A on the coding strand, the complement: INS is on the minus strand). VCF-style: chr11-2159961-C-T. GRCh37 (hg19) VCF-style: chr11-2181191-C-T.
Other names: c.224G>A, p.Gly75Asp (NM_001185097.2, NM_001185098.2, NM_001291897.2); c.187+824G>A (NM_001042376.3); short protein forms G75D.
Identifiers: ClinVar variation 3033630 (VCV003033630.6), dbSNP rs144093133, ClinGen allele CA5818133.

ClinVar aggregate classification (germline): Conflicting classifications of pathogenicity. Review status: criteria provided, conflicting classifications (1 of 4 stars). 5 submissions from 5 submitters: Uncertain significance (2); Likely benign (2). 1 of the submissions does not count toward it. Last evaluated 2025-10-18.

Conditions:
INS-related disorder. Also called: INS-related condition.

Allele frequency attached by ClinVar (database versions not stated): ExAC 0.00018; gnomAD 0.00052; 1000 Genomes Project 0.00040; ESP Exome Variant Server 0.00046; 1000 Genomes Project 30x 0.00031.
gnomAD v4.1: 156 of 1,592,960 alleles (0.0098%); highest among the groups gnomAD compares: African/African-American, 0.2%; 1 homozygote.

Submissions (5):

Labcorp Genetics (formerly Invitae), Labcorp
Classification: Likely benign. Last evaluated: 2025-10-18. Review status: criteria provided, single submitter. Criteria: Invitae Variant Classification Sherloc (09022015). Collection method: clinical testing. Allele origin: germline.

GeneDx
Classification: Uncertain significance. Last evaluated: 2024-08-01. Review status: criteria provided, single submitter. Criteria: GeneDx Variant Classification Process June 2021. Collection method: clinical testing. Allele origin: germline. Affected: yes.
Comment: In silico analysis indicates that this missense variant does not alter protein structure/function; Has not been previously published as pathogenic or benign to our knowledge

ARUP Laboratories, Molecular Genetics and Genomics, ARUP Laboratories
Classification: Uncertain significance. Last evaluated: 2024-06-13. Review status: criteria provided, single submitter. Criteria: ARUP Molecular Germline Variant Investigation Process 2024. Collection method: clinical testing. Allele origin: germline.
Comment: The INS c.224G>A; p.Gly75Asp variant (rs144093133), to our knowledge, is not reported in the medical literature or gene specific databases in association with disease. This variant is found in the African/African-American population with an allele frequency of 0.22% (49/31828 alleles) in the Genome Aggregation Database (v2.1.1). Computational analyses are uncertain whether this variant is neutral or deleterious (REVEL: 0.545). Due to limited information, the clinical significance of this variant is uncertain at this time.

Breakthrough Genomics
Classification: Likely benign. Review status: criteria provided, single submitter. Criteria: ACMG Guidelines, 2015. Collection method: not provided. Allele origin: germline. Inheritance: Autosomal dominant inheritance. Affected: yes.

PreventionGenetics, part of Exact Sciences
Classification: Likely benign for INS-related condition. Last evaluated: 2022-05-06. Review status: no assertion criteria provided. Collection method: clinical testing. Allele origin: germline. Not counted in ClinVar's aggregate classification.
Comment: This variant is classified as likely benign based on ACMG/AMP sequence variant interpretation guidelines (Richards et al. 2015 PMID: 25741868, with internal and published modifications).